The following is an entry in ClinVar:

NM_001715.3(BLK):c.847G>C (p.Gly283Arg)

Genes: BLK (BLK proto-oncogene, Src family tyrosine kinase), BLK-AS1 (BLK antisense RNA 1). Cytogenetic location: 8p23.1.
Variant type: single nucleotide variant.
Coding change: c.847G>C on transcript NM_001715.3 (MANE Select); coding-DNA position 847, G replaced by C.
Protein change: p.Gly283Arg; replaces glycine 283 with arginine.
Molecular consequence: missense variant.
Genome position (GRCh38, 1-based): chr8:11,556,732, G>C. VCF-style: chr8-11556732-G-C. GRCh37 (hg19) VCF-style: chr8-11414241-G-C.
Other names: c.634G>C, p.Gly212Arg (NM_001330465.2); short protein forms G212R, G283R.
Identifiers: ClinVar variation 1375200 (VCV001375200.6), dbSNP rs1171820579, ClinGen allele CA370314935.

ClinVar aggregate classification (germline): Uncertain significance (1 of 4 stars; one submission).

Allele frequency attached by ClinVar (database versions not stated): TOPMed below 0.00001; gnomAD exomes 0.00001.
gnomAD v4.1: 5 of 1,614,200 alleles (0.00031%); highest among the groups gnomAD compares: Non-Finnish European, 0.00042%; no homozygotes.

Submission:

Labcorp Genetics (formerly Invitae), Labcorp
Classification: Uncertain significance. Last evaluated: 2021-08-15. Review status: criteria provided, single submitter. Criteria: Invitae Variant Classification Sherloc (09022015). Collection method: clinical testing. Allele origin: germline.
Comment: In summary, the available evidence is currently insufficient to determine the role of this variant in disease. Therefore, it has been classified as a Variant of Uncertain Significance. Algorithms developed to predict the effect of missense changes on protein structure and function are either unavailable or do not agree on the potential impact of this missense change (SIFT: "Deleterious"; PolyPhen-2: "Benign"; Align-GVGD: "Class C25"). This variant has not been reported in the literature in individuals affected with BLK-related conditions. This variant is not present in population databases (ExAC no frequency). This sequence change replaces glycine with arginine at codon 283 of the BLK protein (p.Gly283Arg). The glycine residue is moderately conserved and there is a moderate physicochemical difference between glycine and arginine.